The following is an entry in ClinVar:

NM_001367561.1(DOCK7):c.2106_2107dup (p.Pro703fs)

Gene: DOCK7 (dedicator of cytokinesis 7; minus strand). Cytogenetic location: 1p31.3.
Variant type: Microsatellite.
Coding change: c.2106_2107dup on transcript NM_001367561.1 (MANE Select); coding-DNA positions 2106 to 2107, 2 bases duplicated (TC; older notation c.2106_2107dupTC).
Protein change: p.Pro703fs; shifts the reading frame from proline 703.
Molecular consequence: frameshift variant.
Genome position (GRCh38, 1-based): chr1:62,577,267-62,577,268, GA duplicated on the plus strand (TC on the coding strand, the reverse complement: DOCK7 is on the minus strand); duplicating any 2 consecutive bases within chr1:62,577,267-62,577,270 gives the same sequence; the c. name uses the placement nearest the transcript's 3' end. VCF-style (leftmost placement, unchanged base first): chr1-62577266-G-GGA. GRCh37 (hg19) VCF-style: chr1-63042937-G-GGA.
Other names: c.2106_2107dup, p.Pro703fs (NM_001271999.2, NM_001272000.2, NM_001272001.2 and 2 more transcripts); short protein forms P703fs.
Identifiers: ClinVar variation 1455206 (VCV001455206.6), dbSNP rs2149480897, ClinGen allele CA2580611454.

ClinVar aggregate classification (germline): Pathogenic (1 of 4 stars; one submission).

Conditions:
Developmental and epileptic encephalopathy, 23 (DEE23). Also called: Epileptic encephalopathy, early infantile, 23. Identifiers: Orphanet 411986, MedGen C4014492, MONDO:0014371, OMIM 615859.

Submission:

Labcorp Genetics (formerly Invitae), Labcorp
Classification: Pathogenic for Developmental and epileptic encephalopathy, 23. Last evaluated: 2023-11-27. Review status: criteria provided, single submitter. Criteria: Invitae Variant Classification Sherloc (09022015). Collection method: clinical testing. Allele origin: germline.
Comment: This sequence change creates a premature translational stop signal (p.Pro703Leufs*9) in the DOCK7 gene. It is expected to result in an absent or disrupted protein product. Loss-of-function variants in DOCK7 are known to be pathogenic (PMID: 24814191). This variant is not present in population databases (gnomAD no frequency). This variant has not been reported in the literature in individuals affected with DOCK7-related conditions. For these reasons, this variant has been classified as Pathogenic.

Literature cited by the submitters: PubMed 24814191.